The following is an entry in ClinVar:

ClinVar aggregate classification (germline): Likely pathogenic (1 of 4 stars; one submission).

Submission:

GeneDx
Classification: Likely pathogenic. Last evaluated: 2026-04-04. Review status: criteria provided, single submitter. Criteria: GeneDx Variant Classification Process June 2021. Collection method: clinical testing. Allele origin: germline.
Comment: Frameshift variant predicted to result in protein truncation or nonsense mediated decay in a gene for which loss of function is a known mechanism of disease; Not observed at significant frequency in large population cohorts (gnomAD); Has not been previously published as pathogenic or benign to our knowledge

NM_004444.5(EPHB4):c.928del (p.Arg310fs)

Gene: EPHB4 (EPH receptor B4; minus strand). Cytogenetic location: 7q22.1.
Variant type: Deletion.
Coding change: c.928del on transcript NM_004444.5 (MANE Select); coding-DNA position 928, one base deleted (C; older notation c.928delC).
Protein change: p.Arg310fs; shifts the reading frame from arginine 310.
Molecular consequence: frameshift variant.
Genome position (GRCh38, 1-based): chr7:100,820,177, G deleted on the plus strand (C on the coding strand, the reverse complement: EPHB4 is on the minus strand); the first of 2 consecutive G bases (chr7:100,820,177-100,820,178); deleting either gives the same sequence. VCF-style (leftmost placement, unchanged base first): chr7-100820176-CG-C. GRCh37 (hg19) VCF-style: chr7-100417798-CG-C.
Other names: short protein forms R310fs.
Identifiers: ClinVar variation 5018227 (VCV005018227.1).
Genomic context (GRCh38, chr7:100,820,176, plus strand): 5'-CTGCACCTGGGTGCTGGTCACTTACTGGTGCAGGGTGCACCCCGGGGGTCTGTGCGTGCC[CG>C]GAAGTACCCGACGCGGCACTGGCAGACGGCTGATCCAATGGTGTTAGAGTGGCTATTGGC-3'